The following is an entry in ClinVar:

ClinVar aggregate classification (germline): Uncertain significance (1 of 4 stars; one submission).

Submission:

GeneDx
Classification: Uncertain significance. Last evaluated: 2026-07-15. Review status: criteria provided, single submitter. Criteria: GeneDx Variant Classification Process June 2021. Collection method: clinical testing. Allele origin: germline.
Comment: Not observed at significant frequency in large population cohorts (gnomAD); In silico analysis suggests that this missense variant does not alter protein structure/function; Has not been previously published as pathogenic or benign to our knowledge

NM_015570.4(AUTS2):c.3704G>A (p.Arg1235Lys)

Gene: AUTS2 (activator of transcription and developmental regulator AUTS2; plus strand). Cytogenetic location: 7q11.22.
Variant type: single nucleotide variant.
Coding change: c.3704G>A on transcript NM_015570.4 (MANE Select); coding-DNA position 3704, G replaced by A.
Protein change: p.Arg1235Lys; replaces arginine 1235 with lysine.
Molecular consequence: missense variant.
Genome position (GRCh38, 1-based): chr7:70,790,920, G>A. VCF-style: chr7-70790920-G-A. GRCh37 (hg19) VCF-style: chr7-70255906-G-A.
Other names: c.3632G>A, p.Arg1211Lys (NM_001127231.3); short protein forms R1211K, R1235K.
Identifiers: ClinVar variation 3767715 (VCV003767715.2).
Genomic context (GRCh38, chr7:70,790,920, plus strand): 5'-CAGCGCTGAGCGCACCTCCCCCGCTCATCTCCACGCTGGGGGGCCGCCCGGTCTCTCCCA[G>A]AAGGACGACTCCTCTGTCCGCAGAGATAAGGGAGAGGCCCCCTTCCCACACGCTGAAGGA-3'
Protein context (NP_056385.1, residues 1225-1245): STLGGRPVSP[Arg1235Lys]RTTPLSAEIR